The following is an entry in ClinVar:

ClinVar aggregate classification (germline): Uncertain significance. Review status: criteria provided, multiple submitters, no conflicts (2 of 4 stars). 3 submissions from 3 submitters: Uncertain significance (3). Last evaluated 2025-10-18.

Conditions:
Mucopolysaccharidosis, MPS-III-C (MPS3C). Also called: SANFILIPPO SYNDROME C; MPS III C; MPS IIIC (Sanfilippo Syndrome Type C); MUCOPOLYSACCHARIDOSIS, TYPE IIIC; Mucopolysaccharidosis type IIIC (Sanfilippo C); mucopolysaccharidosis type 3C. Identifiers: Orphanet 581, Orphanet 79271, MedGen C0086649, MONDO:0009657, OMIM 252930.
Retinitis pigmentosa 73 (RP73). Identifiers: Orphanet 791, MedGen C4225287, MONDO:0014687, OMIM 616544.
Inborn genetic diseases. Identifiers: MedGen C0950123, MeSH D030342.

Allele frequency attached by ClinVar (database versions not stated): gnomAD exomes below 0.00001; gnomAD 0.00001.
gnomAD v4.1: 8 of 1,605,198 alleles (0.0005%); highest among the groups gnomAD compares: East Asian, 0.0022%; no homozygotes.

Submissions (3):

Ambry Genetics
Classification: Uncertain significance for Inborn genetic diseases. Last evaluated: 2025-10-18. Review status: criteria provided, single submitter. Criteria: Ambry Variant Classification Scheme 2023. Collection method: clinical testing. Allele origin: germline.

Labcorp Genetics (formerly Invitae), Labcorp
Classification: Uncertain significance for Retinitis pigmentosa 73; Mucopolysaccharidosis, MPS-III-C. Last evaluated: 2021-11-11. Review status: criteria provided, single submitter. Criteria: Invitae Variant Classification Sherloc (09022015). Collection method: clinical testing. Allele origin: germline.
Comment: This sequence change replaces isoleucine, which is neutral and non-polar, with threonine, which is neutral and polar, at codon 622 of the HGSNAT protein (p.Ile622Thr). This variant is not present in population databases (gnomAD no frequency). This variant has not been reported in the literature in individuals affected with HGSNAT-related conditions. Advanced modeling of protein sequence and biophysical properties (such as structural, functional, and spatial information, amino acid conservation, physicochemical variation, residue mobility, and thermodynamic stability) performed at Invitae indicates that this missense variant is expected to disrupt HGSNAT protein function. In summary, the available evidence is currently insufficient to determine the role of this variant in disease. Therefore, it has been classified as a Variant of Uncertain Significance.

Blueprint Genetics
Classification: Uncertain significance. Last evaluated: 2021-10-05. Review status: criteria provided, single submitter. Criteria: ACMG Guidelines, 2015. Collection method: clinical testing. Allele origin: germline.

NM_152419.3(HGSNAT):c.1865T>C (p.Ile622Thr)

Gene: HGSNAT (heparan-alpha-glucosaminide N-acetyltransferase; plus strand). Cytogenetic location: 8p11.21.
Variant type: single nucleotide variant.
Coding change: c.1865T>C on transcript NM_152419.3 (MANE Select); coding-DNA position 1865, T replaced by C.
Protein change: p.Ile622Thr; replaces isoleucine 622 with threonine.
Molecular consequence: missense variant.
Genome position (GRCh38, 1-based): chr8:43,199,526, T>C. VCF-style: chr8-43199526-T-C. GRCh37 (hg19) VCF-style: chr8-43054669-T-C.
Other names: c.1865T>C (NM_152419.2); c.1952T>C, p.Ile651Thr (NM_001363227.2); c.1673T>C, p.Ile558Thr (NM_001363228.2); c.1001T>C, p.Ile334Thr (NM_001363229.2); short protein forms I558T, I651T, I334T, I622T.
Identifiers: ClinVar variation 1489002 (VCV001489002.5), dbSNP rs1240119393, ClinGen allele CA371121705.